The following is an entry in ClinVar:

ClinVar aggregate classification (germline): Pathogenic (1 of 4 stars; one submission).

Conditions:
Alstrom syndrome (ALMS). Identifiers: Orphanet 64, MedGen C0268425, MONDO:0008763, OMIM 203800.

Submission:

Labcorp Genetics (formerly Invitae), Labcorp
Classification: Pathogenic for Alstrom syndrome. Last evaluated: 2024-01-11. Review status: criteria provided, single submitter. Criteria: Invitae Variant Classification Sherloc (09022015). Collection method: clinical testing. Allele origin: germline.
Comment: This sequence change creates a premature translational stop signal (p.Thr3596Glufs*2) in the ALMS1 gene. It is expected to result in an absent or disrupted protein product. Loss-of-function variants in ALMS1 are known to be pathogenic (PMID: 17594715). This variant is not present in population databases (gnomAD no frequency). This variant has not been reported in the literature in individuals affected with ALMS1-related conditions. For these reasons, this variant has been classified as Pathogenic.

Literature cited by the submitters: PubMed 17594715.

NM_001378454.1(ALMS1):c.10782_10792del (p.Thr3595fs)

Gene: ALMS1 (ALMS1 centrosome and basal body associated protein; plus strand). Cytogenetic location: 2p13.1.
Variant type: Deletion.
Coding change: c.10782_10792del on transcript NM_001378454.1 (MANE Select); coding-DNA positions 10782 to 10792, 11 bases deleted (CACTGTGAGTT).
Protein change: p.Thr3595fs; shifts the reading frame from threonine 3595.
Molecular consequence: frameshift variant.
Genome position (GRCh38, 1-based): chr2:73,572,659-73,572,669, CACTGTGAGTT deleted. VCF-style (leftmost placement, unchanged base first): chr2-73572658-ACACTGTGAGTT-A. GRCh37 (hg19) VCF-style: chr2-73799785-ACACTGTGAGTT-A.
Other names: c.10785_10795del, p.Thr3596fs (NM_015120.4); short protein forms T3596fs, T3595fs.
Identifiers: ClinVar variation 2708964 (VCV002708964.3), dbSNP rs2466444538, ClinGen allele CA2697548293.